The following is an entry in ClinVar:

ClinVar aggregate classification (germline): Uncertain significance (1 of 4 stars; one submission).

Conditions:
Werner syndrome (WRN). Identifiers: Orphanet 902, MedGen C0043119, MONDO:0010196, OMIM 277700.

Submission:

Labcorp Genetics (formerly Invitae), Labcorp
Classification: Uncertain significance for Werner syndrome. Last evaluated: 2016-05-01. Review status: criteria provided, single submitter. Criteria: Invitae Variant Classification Sherloc (09022015). Collection method: clinical testing. Allele origin: germline.
Comment: In summary, this variant is a novel missense change that is not predicted to affect protein function. There is no indication that it causes disease, but the available evidence is currently insufficient to prove that conclusively. Therefore, it has been classified as a Variant of Uncertain Significance. Algorithms developed to predict the effect of missense changes on protein structure and function (SIFT, PolyPhen-2, Align-GVGD) all suggest that this variant is likely to be tolerated, but these predictions have not been confirmed by published functional studies. This variant is not present in population databases (ExAC no frequency) and has not been reported in the literature in individuals with a WRN-related disease. This sequence change replaces serine with proline at codon 426 of the WRN protein (p.Ser426Pro). The serine residue is moderately conserved and there is a moderate physicochemical difference between serine and proline.

NM_000553.6(WRN):c.1276T>C (p.Ser426Pro)

Gene: WRN (WRN RecQ like helicase; plus strand). Cytogenetic location: 8p12.
Variant type: single nucleotide variant.
Coding change: c.1276T>C on transcript NM_000553.6 (MANE Select); coding-DNA position 1276, T replaced by C.
Protein change: p.Ser426Pro; replaces serine 426 with proline.
Molecular consequence: missense variant.
Genome position (GRCh38, 1-based): chr8:31,083,705, T>C. VCF-style: chr8-31083705-T-C. GRCh37 (hg19) VCF-style: chr8-30941221-T-C.
Other names: short protein forms S426P.
Identifiers: ClinVar variation 404039 (VCV000404039.3), dbSNP rs1060500074, ClinGen allele CA16612594.